The following is an entry in ClinVar:

ClinVar aggregate classification (germline): Uncertain significance (1 of 4 stars; one submission).

Conditions:
Immunoglobulin-mediated membranoproliferative glomerulonephritis. Also called: NEPHROTIC SYNDROME, TYPE 7, WITH MEMBRANOPROLIFERATIVE GLOMERULONEPHRITIS; Nephrotic syndrome, type 7. Identifiers: Orphanet 329903, MedGen C3554330, MONDO:0014005, OMIM 615008.

gnomAD v4.1: 1 of 1,584,218 alleles (0.000063%); highest among the groups gnomAD compares: South Asian, 0.0012%; no homozygotes.

Submission:

Neuberg Centre For Genomic Medicine, NCGM
Classification: Uncertain significance for Immunoglobulin-mediated membranoproliferative glomerulonephritis. Review status: criteria provided, single submitter. Criteria: ACMG Guidelines, 2015. Collection method: clinical testing. Allele origin: germline. Inheritance: Autosomal recessive inheritance. Affected: yes.
Comment: The missense variant in c.531T>G (p.Cys177Trp) in DGKE gene has not been reported previously as a pathogenic variant nor as a benign variant, to our knowledge. The p.Cys177Trp variant is novel (not in any individuals) in gnomAD Exomes and 1000 Genomes. The amino acid Cys at position 177 is changed to a Trp changing protein sequence and it might alter its composition and physico-chemical properties. The variant is predicted to be damaging by both SIFT and PolyPhen2. The residue is conserved across species. The amino acid change p.Cys177Trp in DGKE is predicted as conserved by GERP++ and PhyloP across 100 vertebrates. For these reasons, this variant has been classified as Uncertain Significance.

NM_003647.3(DGKE):c.531T>G (p.Cys177Trp)

Gene: DGKE (diacylglycerol kinase epsilon; plus strand). Cytogenetic location: 17q22.
Variant type: single nucleotide variant.
Coding change: c.531T>G on transcript NM_003647.3 (MANE Select); coding-DNA position 531, T replaced by G.
Protein change: p.Cys177Trp; replaces cysteine 177 with tryptophan.
Molecular consequence: missense variant.
Genome position (GRCh38, 1-based): chr17:56,844,085, T>G. VCF-style: chr17-56844085-T-G. GRCh37 (hg19) VCF-style: chr17-54921446-T-G.
Other names: short protein forms C177W.
Identifiers: ClinVar variation 2585436 (VCV002585436.1), dbSNP rs2509284509, ClinGen allele CA399926162.